The following is an entry in ClinVar:

ClinVar aggregate classification (germline): Likely pathogenic (1 of 4 stars; one submission).

Conditions:
Autosomal recessive nonsyndromic hearing loss 7. Also called: DEAFNESS, AUTOSOMAL RECESSIVE 11. Identifiers: Orphanet 90636, MedGen C1832978, MONDO:0010967, OMIM 600974.

Submission:

Institute of Rare Diseases, West China Hospital, Sichuan University
Classification: Likely pathogenic for Autosomal recessive nonsyndromic hearing loss 7. Last evaluated: 2026-09-16. Review status: criteria provided, single submitter. Criteria: ClinGen HL ACMG Specifications v1. Collection method: research. Allele origin: germline. Affected: yes.
Comment: This haplotype leads to intron23 retention validated by minigene splicing assay (PS3). It is extremely rare in general‑population databases (PM2_Supporting). In‑silico prediction supports splicing disruption (PP3_Moderate). ACMG classification: Likely pathogenic(PS3,PM2_Supporting,PM3,PP3_Moderate).

NM_138691.3(TMC1):c.2259_2260delinsCC (p.Ala754Pro)

Gene: TMC1 (transmembrane channel like 1; plus strand). Cytogenetic location: 9q21.13.
Variant type: Indel.
Coding change: c.2259_2260delinsCC on transcript NM_138691.3 (MANE Select); coding-DNA positions 2259 to 2260, AG replaced by CC.
Protein change: p.Ala754Pro; replaces alanine 754 with proline.
Molecular consequence: missense variant.
Genome position (GRCh38, 1-based): chr9:72,830,681-72,830,682, AG replaced by CC. VCF-style: chr9-72830681-AG-CC. GRCh37 (hg19) VCF-style: chr9-75445597-AG-CC.
Other names: short protein forms A754P.
Identifiers: ClinVar variation 5016477 (VCV005016477.1).